The following is an entry in ClinVar:

NM_000038.6(APC):c.4359_4360delinsCG (p.Lys1454Glu)

Gene: APC (APC regulator of Wnt signaling pathway; plus strand). Cytogenetic location: 5q22.2.
Variant type: Indel.
Coding change: c.4359_4360delinsCG on transcript NM_000038.6 (MANE Select); coding-DNA positions 4359 to 4360, TA replaced by CG.
Protein change: p.Lys1454Glu; replaces lysine 1454 with glutamic acid.
Molecular consequence: missense variant. On other transcripts: non-coding transcript variant (2).
Genome position (GRCh38, 1-based): chr5:112,839,953-112,839,954, TA replaced by CG. VCF-style: chr5-112839953-TA-CG. GRCh37 (hg19) VCF-style: chr5-112175650-TA-CG.
Other names: c.4359_4360delTAinsCG (NM_000038.5); c.4359_4360delinsCG, p.Lys1454Glu (NM_001127510.3, NM_001354895.2, NM_001407450.1); c.4305_4306delinsCG, p.Lys1436Glu (NM_001127511.3); c.4413_4414delinsCG, p.Lys1472Glu (NM_001354896.2, NM_001407447.1, NM_001407448.1 and 1 more transcripts); c.4389_4390delinsCG, p.Lys1464Glu (NM_001354897.2); c.4284_4285delinsCG, p.Lys1429Glu (NM_001354898.2); c.4275_4276delinsCG, p.Lys1426Glu (NM_001354899.2); c.4236_4237delinsCG, p.Lys1413Glu (NM_001354900.2); and 12 more; short protein forms K1325E, K1328E, K1363E, K1371E, K1395E, K1413E, K1426E, K1464E.
Identifiers: ClinVar variation 3001945 (VCV003001945.4), dbSNP rs2533568826, ClinGen allele CA2740094004.

ClinVar aggregate classification (germline): Uncertain significance. Review status: criteria provided, multiple submitters, no conflicts (2 of 4 stars). 2 submissions from 2 submitters: Uncertain significance (2). Last evaluated 2025-11-21.

Conditions:
Hereditary cancer-predisposing syndrome. Also called: Hereditary Cancer Syndrome; Neoplastic Syndromes, Hereditary; Tumor predisposition; Hereditary neoplastic syndrome. Identifiers: Orphanet 140162, MedGen C0027672, MeSH D009386, MONDO:0015356.
Familial adenomatous polyposis 1 (FAP1). Also called: FAMILIAL ADENOMATOUS POLYPOSIS 1, ATTENUATED; POLYPOSIS, ADENOMATOUS INTESTINAL. Identifiers: MedGen C2713442, MONDO:0021056, OMIM 175100. Disease mechanism: loss of function.

Submissions (2):

Ambry Genetics
Classification: Uncertain significance for Hereditary cancer-predisposing syndrome. Last evaluated: 2025-11-21. Review status: criteria provided, single submitter. Criteria: Ambry Variant Classification Scheme 2023. Collection method: clinical testing. Allele origin: germline.
Comment: The c.4359_4360delTAinsCG variant (also known as p.K1454E), located in coding exon 15 of the APC gene, results from an in-frame deletion of TA and insertion of CG at nucleotide positions 4359 to 4360. This results in the substitution of the lysine residue for a glutamic acid residue at codon 1454, an amino acid with similar properties. This amino acid position is well conserved in available vertebrate species. In addition, this variant is predicted to be neutral by in silico analysis (Choi Y et al. PLoS ONE. 2012; 7(10):e46688). Based on the available evidence, the clinical significance of this variant remains unclear.

Labcorp Genetics (formerly Invitae), Labcorp
Classification: Uncertain significance for Familial adenomatous polyposis 1. Last evaluated: 2023-09-27. Review status: criteria provided, single submitter. Criteria: Invitae Variant Classification Sherloc (09022015). Collection method: clinical testing. Allele origin: germline.
Comment: In summary, the available evidence is currently insufficient to determine the role of this variant in disease. Therefore, it has been classified as a Variant of Uncertain Significance. Experimental studies and prediction algorithms are not available or were not evaluated, and the functional significance of this variant is currently unknown. This missense change has been observed in individual(s) with clinical features of APC-related conditions (PMID: 18199528, 23970361). Information on the frequency of this variant in the gnomAD database is not available, as this variant may be reported differently in the database. This sequence change replaces lysine, which is basic and polar, with glutamic acid, which is acidic and polar, at codon 1454 of the APC protein (p.Lys1454Glu).

Literature cited by the submitters: PubMed 18199528 (cited by Labcorp Genetics (formerly Invitae), Labcorp); PubMed 23970361 (cited by Labcorp Genetics (formerly Invitae), Labcorp).